The following is an entry in ClinVar:

NM_031935.3(HMCN1):c.12986C>T (p.Thr4329Ile)

Gene: HMCN1 (hemicentin 1; plus strand). Cytogenetic location: 1q31.1.
Variant type: single nucleotide variant.
Coding change: c.12986C>T on transcript NM_031935.3 (MANE Select); coding-DNA position 12986, C replaced by T.
Protein change: p.Thr4329Ile; replaces threonine 4329 with isoleucine.
Molecular consequence: missense variant.
Genome position (GRCh38, 1-based): chr1:186,130,047, C>T. VCF-style: chr1-186130047-C-T. GRCh37 (hg19) VCF-style: chr1-186099179-C-T.
Other names: short protein forms T4329I.
Identifiers: ClinVar variation 294257 (VCV000294257.10), dbSNP rs200984902, ClinGen allele CA1294514.

ClinVar aggregate classification (germline): Uncertain significance. Review status: criteria provided, multiple submitters, no conflicts (2 of 4 stars). 3 submissions from 3 submitters: Uncertain significance (3). Last evaluated 2025-10-06.

Conditions:
Age related macular degeneration 1 (ARMD1). Also called: MACULOPATHY, AGE-RELATED, 1. Identifiers: MedGen C1864205, MONDO:0011285, OMIM 603075.

Allele frequency attached by ClinVar (database versions not stated): gnomAD 0.00001; ExAC 0.00003; gnomAD exomes 0.00003 and 0.00005; TOPMed 0.00006; 1000 Genomes Project 30x 0.00016; 1000 Genomes Project 0.00020.
gnomAD v4.1: 69 of 1,613,250 alleles (0.0043%); highest among the groups gnomAD compares: Middle Eastern, 0.066%; no homozygotes.

Submissions (3):

Labcorp Genetics (formerly Invitae), Labcorp
Classification: Uncertain significance. Last evaluated: 2025-10-06. Review status: criteria provided, single submitter. Criteria: Invitae Variant Classification Sherloc (09022015). Collection method: clinical testing. Allele origin: germline.
Comment: This sequence change replaces threonine, which is neutral and polar, with isoleucine, which is neutral and non-polar, at codon 4329 of the HMCN1 protein (p.Thr4329Ile). This variant is present in population databases (rs200984902, gnomAD 0.06%). This variant has not been reported in the literature in individuals affected with HMCN1-related conditions. ClinVar contains an entry for this variant (Variation ID: 294257). An algorithm developed to predict the effect of missense changes on protein structure and function (PolyPhen-2) suggests that this variant is likely to be disruptive. In summary, the available evidence is currently insufficient to determine the role of this variant in disease. Therefore, it has been classified as a Variant of Uncertain Significance.

Genome-Nilou Lab
Classification: Uncertain significance for Age related macular degeneration 1. Last evaluated: 2023-04-11. Review status: criteria provided, single submitter. Criteria: ACMG Guidelines, 2015. Collection method: clinical testing. Allele origin: germline. Affected: no.

Illumina Laboratory Services, Illumina
Classification: Uncertain significance for Age related macular degeneration 1. Last evaluated: 2018-01-13. Review status: criteria provided, single submitter. Criteria: ICSL Variant Classification Criteria 13 December 2019. Collection method: clinical testing. Allele origin: germline.